The following is an entry in ClinVar:

NM_000093.5(COL5A1):c.1240G>A (p.Glu414Lys)

Gene: COL5A1 (collagen type V alpha 1 chain; plus strand). Cytogenetic location: 9q34.3.
Variant type: single nucleotide variant.
Coding change: c.1240G>A on transcript NM_000093.5 (MANE Select); coding-DNA position 1240, G replaced by A.
Protein change: p.Glu414Lys; replaces glutamic acid 414 with lysine.
Molecular consequence: missense variant.
Genome position (GRCh38, 1-based): chr9:134,731,571, G>A. VCF-style: chr9-134731571-G-A. GRCh37 (hg19) VCF-style: chr9-137623417-G-A.
Other names: c.1240G>A, p.Glu414Lys (NM_001278074.1); short protein forms E414K.
Identifiers: ClinVar variation 638919 (VCV000638919.19), dbSNP rs763456705, ClinGen allele CA5318685.

ClinVar aggregate classification (germline): Conflicting classifications of pathogenicity. Review status: criteria provided, conflicting classifications (1 of 4 stars). 3 submissions from 3 submitters: Uncertain significance (1); Benign (1); Likely benign (1). Last evaluated 2026-02-02.

Conditions:
Ehlers-Danlos syndrome, classic type, 1 (EDSCL1). Also called: EDS I; EHLERS-DANLOS SYNDROME, GRAVIS TYPE; EHLERS-DANLOS SYNDROME, SEVERE CLASSIC TYPE; Ehlers-Danlos Syndrome, Classic Type, COL5A1-Related; Ehlers-Danlos syndrome, type 1. Identifiers: MedGen C0268335, MONDO:0019567, OMIM 130000.

Allele frequency attached by ClinVar (database versions not stated): ExAC 0.00002; gnomAD exomes 0.00003 and 0.00001; TOPMed 0.00001; gnomAD 0.00002.
gnomAD v4.1: 46 of 1,614,104 alleles (0.0028%); highest among the groups gnomAD compares: Non-Finnish European, 0.0036%; no homozygotes.

Submissions (3):

Labcorp Genetics (formerly Invitae), Labcorp
Classification: Benign for Ehlers-Danlos syndrome, classic type, 1. Last evaluated: 2026-02-02. Review status: criteria provided, single submitter. Criteria: Invitae Variant Classification Sherloc (09022015). Collection method: clinical testing. Allele origin: germline.

Women's Health and Genetics/Laboratory Corporation of America, LabCorp
Classification: Likely benign. Last evaluated: 2025-11-17. Review status: criteria provided, single submitter. Criteria: LabCorp Variant Classification Summary - May 2015. Collection method: clinical testing. Allele origin: germline.
Comment: Variant summary: COL5A1 c.1240G>A (p.Glu414Lys) results in a conservative amino acid change in the encoded protein sequence. Algorithms developed to predict the effect of missense changes on protein structure and function all suggest that this variant is likely to be tolerated. The variant allele was found at a frequency of 1.9e-06 in 1614104 control chromosomes, predominantly at a frequency of 3.6e-05 within the Non-Finnish European subpopulation in the gnomAD database. The observed variant frequency within Non-Finnish European control individuals in the gnomAD database exceeds the estimated maximal expected allele frequency for disease-causing variants in COL5A1. To our knowledge, no occurrence of c.1240G>A in individuals affected with COL5A1-related conditions and no experimental evidence demonstrating its impact on protein function have been reported. ClinVar contains an entry for this variant (Variation ID: 638919). Based on the evidence outlined above, the variant was classified as likely benign.

ARUP Laboratories, Molecular Genetics and Genomics, ARUP Laboratories
Classification: Uncertain significance. Last evaluated: 2021-10-07. Review status: criteria provided, single submitter. Criteria: ARUP Molecular Germline Variant Investigation Process 2021. Collection method: clinical testing. Allele origin: germline.
Comment: The COL5A1 c.1240G>A; p.Glu414Lys variant (rs763456705), to our knowledge, is not reported in the medical literature but is reported in ClinVar (Variation ID: 638919). This variant is found on only four chromosomes (4/280400 alleles) in the Genome Aggregation Database. The glutamate at codon 414 is moderately conserved, and computational analyses are uncertain whether this variant is neutral or deleterious (REVEL: 0.242). Due to limited information, the clinical significance of the p.Glu414Lys variant is uncertain at this time.